The following is an entry in ClinVar:

ClinVar aggregate classification (germline): Likely benign (1 of 4 stars; one submission).

Conditions:
Noonan syndrome 9 (NS9). Identifiers: Orphanet 648, MedGen C4225282, MONDO:0014691, OMIM 616559.

Submission:

Centre for Medical Genetics,  Mumbai
Classification: Likely benign for Noonan syndrome 9. Last evaluated: 2026-03-13. Review status: criteria provided, single submitter. Criteria: ACMG Guidelines, 2015. Collection method: provider interpretation. Allele origin: germline. Inheritance: Autosomal dominant inheritance. Affected: no. Observed: 1 variant allele, 1 heterozygote.
Comment: The variant satisfies PM2 criteria; Extremely low frequency in gnomAD population databases. However, the variant satisfies BS2 criteria.

Literature cited by the submitters: PubMed 25795793.

NM_006939.4(SOS2):c.3313G>C (p.Asp1105His)

Gene: SOS2 (SOS Ras/Rho guanine nucleotide exchange factor 2; minus strand). Cytogenetic location: 14q21.3.
Variant type: single nucleotide variant.
Coding change: c.3313G>C on transcript NM_006939.4 (MANE Select); coding-DNA position 3313, G replaced by C.
Protein change: p.Asp1105His; replaces aspartic acid 1105 with histidine.
Molecular consequence: missense variant.
Genome position (GRCh38, 1-based): chr14:50,130,525, C>G on the plus strand (G>C on the coding strand, the complement: SOS2 is on the minus strand). VCF-style: chr14-50130525-C-G. GRCh37 (hg19) VCF-style: chr14-50597243-C-G.
Other names: c.3214G>C, p.Asp1072His (NM_001411020.1); short protein forms D1072H, D1105H.
Identifiers: ClinVar variation 4819427 (VCV004819427.1).